The following is an entry in ClinVar:

NM_001393586.1(MYO7B):c.4098C>T (p.Gly1366=)

Gene: MYO7B (myosin VIIB; plus strand). Cytogenetic location: 2q14.3.
Variant type: single nucleotide variant.
Coding change: c.4098C>T on transcript NM_001393586.1 (MANE Select); coding-DNA position 4098, C replaced by T.
Protein change: p.Gly1366=; no amino-acid change (glycine 1366 retained).
Molecular consequence: synonymous variant.
Genome position (GRCh38, 1-based): chr2:127,625,418, C>T. VCF-style: chr2-127625418-C-T. GRCh37 (hg19) VCF-style: chr2-128382993-C-T.
Other names: c.4020C>T, p.Gly1340= (NM_001080527.2); c.579C>T, p.Gly193= (NM_001393594.1).
Identifiers: ClinVar variation 3058692 (VCV003058692.2), dbSNP rs373691240, ClinGen allele CA1861647.

ClinVar aggregate classification (germline): Likely benign (0 of 4 stars; one submission).

Conditions:
MYO7B-related disorder. Also called: MYO7B-related condition.

Allele frequency attached by ClinVar (database versions not stated): TOPMed 0.00003; ESP Exome Variant Server 0.00008; gnomAD exomes 0.00008; gnomAD 0.00010; ExAC 0.00013.
gnomAD v4.1: 135 of 1,609,076 alleles (0.0084%); highest among the groups gnomAD compares: Admixed American, 0.025%; no homozygotes.

Submission:

PreventionGenetics, part of Exact Sciences
Classification: Likely benign for MYO7B-related condition. Last evaluated: 2019-02-19. Review status: no assertion criteria provided. Collection method: clinical testing. Allele origin: germline.
Comment: This variant is classified as likely benign based on ACMG/AMP sequence variant interpretation guidelines (Richards et al. 2015 PMID: 25741868, with internal and published modifications).